The following is an entry in ClinVar:

ClinVar aggregate classification (germline): Likely benign. Review status: criteria provided, multiple submitters, no conflicts (2 of 4 stars). 2 submissions from 2 submitters: Likely benign (2). Last evaluated 2026-04-01.

Conditions:
Myopathy, centronuclear, 2 (CNM2). Also called: MYOTUBULAR MYOPATHY, AUTOSOMAL RECESSIVE. Identifiers: Orphanet 169186, MedGen CN031787, MONDO:0009709, OMIM 255200.

Allele frequency attached by ClinVar (database versions not stated): gnomAD exomes 0.00002; TOPMed 0.00003; ExAC 0.00004; gnomAD 0.00004 and 0.00005.
gnomAD v4.1: 34 of 1,573,838 alleles (0.0022%); highest among the groups gnomAD compares: South Asian, 0.0047%; no homozygotes.

Submissions (2):

CeGaT Center for Human Genetics Tuebingen
Classification: Likely benign. Last evaluated: 2026-04-01. Review status: criteria provided, single submitter. Criteria: CeGaT Center For Human Genetics Tuebingen Variant Classification Criteria Version 2. Collection method: clinical testing. Allele origin: germline. Affected: yes. Observed: 1 variant allele.
Comment: BIN1: BP4, BP7

Labcorp Genetics (formerly Invitae), Labcorp
Classification: Likely benign for Myopathy, centronuclear, 2. Last evaluated: 2025-12-18. Review status: criteria provided, single submitter. Criteria: Invitae Variant Classification Sherloc (09022015). Collection method: clinical testing. Allele origin: germline.

NM_139343.3(BIN1):c.960C>T (p.Gly320=)

Gene: BIN1 (bridging integrator 1; minus strand). Cytogenetic location: 2q14.3.
Variant type: single nucleotide variant.
Coding change: c.960C>T on transcript NM_139343.3 (MANE Select); coding-DNA position 960, C replaced by T.
Protein change: p.Gly320=; no amino-acid change (glycine 320 retained).
Molecular consequence: synonymous variant.
Genome position (GRCh38, 1-based): chr2:127,059,053, G>A on the plus strand (C>T on the coding strand, the complement: BIN1 is on the minus strand). VCF-style: chr2-127059053-G-A. GRCh37 (hg19) VCF-style: chr2-127816629-G-A.
Other names: c.912C>T, p.Gly304= (NM_001320632.2, NM_004305.4, NM_139346.3); c.960C>T, p.Gly320= (NM_001320633.2, NM_001320640.2, NM_139344.3 and 1 more transcripts); c.795C>T, p.Gly265= (NM_001320634.1); c.867C>T, p.Gly289= (NM_001320641.2, NM_139347.3, NM_139348.3 and 3 more transcripts); c.879C>T, p.Gly293= (NM_001320642.1).
Identifiers: ClinVar variation 1492536 (VCV001492536.10), dbSNP rs758286460, ClinGen allele CA1857226.